The following is an entry in ClinVar:

NM_033337.3(CAV3):c.303G>C (p.Trp101Cys)

Genes: CAV3 (caveolin 3; plus strand), OXTR (oxytocin receptor; minus strand). Cytogenetic location: 3p25.3.
Variant type: single nucleotide variant.
Coding change: c.303G>C on transcript NM_033337.3 (MANE Select); coding-DNA position 303, G replaced by C.
Protein change: p.Trp101Cys; replaces tryptophan 101 with cysteine.
Molecular consequence: missense variant.
Genome position (GRCh38, 1-based): chr3:8,745,714, G>C. VCF-style: chr3-8745714-G-C. GRCh37 (hg19) VCF-style: chr3-8787400-G-C.
Other names: c.303G>C, p.Trp101Cys (NM_001234.5); short protein forms W101C.
Identifiers: ClinVar variation 265072 (VCV000265072.5), dbSNP rs886039325, ClinGen allele CA10588372.

ClinVar aggregate classification (germline): Conflicting classifications of pathogenicity. Review status: criteria provided, conflicting classifications (1 of 4 stars). 2 submissions from 2 submitters: Likely pathogenic (1); Uncertain significance (1). Last evaluated 2023-01-28.

Conditions:
Long QT syndrome (LQTS). Identifiers: MedGen C0023976, MeSH D008133, MONDO:0002442. Disease mechanism: loss of function. Inheritance: Various modes of inheritance.

Submissions (2):

Labcorp Genetics (formerly Invitae), Labcorp
Classification: Uncertain significance for Long QT syndrome. Last evaluated: 2023-01-28. Review status: criteria provided, single submitter. Criteria: Invitae Variant Classification Sherloc (09022015). Collection method: clinical testing. Allele origin: germline.
Comment: Algorithms developed to predict the effect of missense changes on protein structure and function (SIFT, PolyPhen-2, Align-GVGD) all suggest that this variant is likely to be disruptive. This variant disrupts the p.Trp101 amino acid residue in CAV3. Other variant(s) that disrupt this residue have been observed in individuals with CAV3-related conditions (PMID: 18583131; Invitae), which suggests that this may be a clinically significant amino acid residue. ClinVar contains an entry for this variant (Variation ID: 265072). This missense change has been observed in individual(s) with limb-girdle muscular dystrophy (Invitae). This variant is not present in population databases (gnomAD no frequency). This sequence change replaces tryptophan, which is neutral and slightly polar, with cysteine, which is neutral and slightly polar, at codon 101 of the CAV3 protein (p.Trp101Cys). In summary, the available evidence is currently insufficient to determine the role of this variant in disease. Therefore, it has been classified as a Variant of Uncertain Significance.

GeneDx
Classification: Likely pathogenic. Last evaluated: 2016-01-26. Review status: criteria provided, single submitter. Criteria: GeneDx Variant Classification (06012015). Collection method: clinical testing. Allele origin: germline. Affected: yes.
Comment: The W101C variant in the CAV3 gene has not been reported previously as a pathogenic variant nor as a benign variant, to our knowledge. The W101C variant was not observed in approximately 6500 individuals of European and African American ancestry in the NHLBI Exome Sequencing Project, indicating it is not a common benign variant in these populations. The W101C variant is a non-conservative amino acid substitution, which is likely to impact secondary protein structure as these residues differ in polarity, charge, size and/or other properties. This substitution occurs at a position that is conserved across species. In silico analysis predicts this variant is probably damaging to the protein structure/function. Immunoblotting of a muscle biopsy specimen showed that the caveolin protein was absent in this individual (Aboumousa et al., 2008). Missense variants in other nearby residues (P105L, F97C) have also been reported in the Human Gene Mutation Database in association with CAV3-related disorders (Stenson et al., 2014), supporting the functional importance of this region of the protein. The W101C variant is a strong candidate for a pathogenic variant; however, the possibility it may be a rare benign variant cannot be excluded.

Literature cited by the submitters: PubMed 18583131 (cited by Labcorp Genetics (formerly Invitae), Labcorp).